The following is an entry in ClinVar:

ClinVar aggregate classification (germline): Likely pathogenic (1 of 4 stars; one submission).

Conditions:
Majeed syndrome (MJDS). Also called: CHRONIC RECURRENT MULTIFOCAL OSTEOMYELITIS 1, WITH CONGENITAL DYSERYTHROPOIETIC ANEMIA, WITH OR WITHOUT NEUTROPHILIC DERMATOSIS; LPIN2-Related Majeed Syndrome. Identifiers: Orphanet 77297, MedGen C1864997, MONDO:0012316, OMIM 609628.

Submission:

Labcorp Genetics (formerly Invitae), Labcorp
Classification: Likely pathogenic for Majeed syndrome. Last evaluated: 2023-08-17. Review status: criteria provided, single submitter. Criteria: Invitae Variant Classification Sherloc (09022015). Collection method: clinical testing. Allele origin: germline.
Comment: A similar copy number variant has been observed in individuals with Majeed syndrome (PMID: 33314777; Invitae). This variant disrupts a region of the LPIN2 protein in which other variant(s) (p.Ser734Leu) have been observed in individuals with LPIN2-related conditions (PMID: 15994876). This suggests that this is a clinically significant region of the protein, and that variants that disrupt it are likely to be disease-causing. In summary, the currently available evidence indicates that the variant is pathogenic, but additional data are needed to prove that conclusively. Therefore, this variant has been classified as Likely Pathogenic. This variant is a gross deletion of the genomic region encompassing exon(s) 7-18 of the LPIN2 gene. This variant would be expected to be in-frame, preserving the integrity of the reading frame.

Literature cited by the submitters: PubMed 33314777; PubMed 15994876.

NC_000018.9:g.(?_2921511)_(2938055_?)del

Gene: LPIN2 (lipin 2; minus strand). Cytogenetic location: 18p11.31.
Variant type: Deletion.
Identifiers: ClinVar variation 1066630 (VCV001066630.7).